The following is an entry in ClinVar:

ClinVar aggregate classification (germline): Benign. Review status: criteria provided, multiple submitters, no conflicts (2 of 4 stars). 2 submissions from 2 submitters: Benign (2). Last evaluated 2025-12-23.

Allele frequency attached by ClinVar (database versions not stated): gnomAD exomes 0.00033; gnomAD 0.00342 and 0.00363; TOPMed 0.00370; 1000 Genomes Project 30x 0.00515.
gnomAD v4.1: 1,022 of 1,614,124 alleles (0.063%); highest among the groups gnomAD compares: African/African-American, 1.2%; 7 homozygotes.

Submissions (2):

Labcorp Genetics (formerly Invitae), Labcorp
Classification: Benign. Last evaluated: 2025-12-23. Review status: criteria provided, single submitter. Criteria: Invitae Variant Classification Sherloc (09022015). Collection method: clinical testing. Allele origin: germline.

Laboratory for Molecular Medicine, Mass General Brigham Personalized Medicine
Classification: Benign. Last evaluated: 2018-03-12. Review status: criteria provided, single submitter. Criteria: ACMG Guidelines, 2015. Collection method: clinical testing. Allele origin: germline.
Comment: p.Ala150Ala in exon 1J of BDNF: This variant is not expected to have clinical significance because it does not alter an amino acid residue and is not located within the splice consensus sequence and it has been identified in 1.3% (312/24030) of African chromosomes by the Genome Aggregation Database (gnomAD; dbSNP rs2353512). ACMG/AMP Criteria applied: BA1; BP4; BP7.

NM_001709.5(BDNF):c.450G>A (p.Ala150=)

Genes: BDNF-AS (BDNF antisense RNA; plus strand), BDNF (brain derived neurotrophic factor; minus strand). Cytogenetic location: 11p14.1.
Variant type: single nucleotide variant.
Coding change: c.450G>A on transcript NM_001709.5 (MANE Select); coding-DNA position 450, G replaced by A.
Protein change: p.Ala150=; no amino-acid change (alanine 150 retained).
Molecular consequence: synonymous variant.
Genome position (GRCh38, 1-based): chr11:27,658,115, C>T on the plus strand (G>A on the coding strand, the complement: BDNF is on the minus strand). VCF-style: chr11-27658115-C-T. GRCh37 (hg19) VCF-style: chr11-27679662-T-T.
Other names: c.450G>A, p.Ala150= (NM_001143805.1, NM_001143806.1, NM_001143807.2 and 9 more transcripts); c.537G>A, p.Ala179= (NM_001143809.2); c.696G>A, p.Ala232= (NM_001143810.2); c.474G>A, p.Ala158= (NM_170731.5); c.495G>A, p.Ala165= (NM_170734.4).
Identifiers: ClinVar variation 783114 (VCV000783114.10), dbSNP rs2353512, ClinGen allele CA219852064.